The following is an entry in ClinVar:

NM_005476.7(GNE):c.501C>A (p.His167Gln)

Gene: GNE (glucosamine (UDP-N-acetyl)-2-epimerase/N-acetylmannosamine kinase; minus strand). Cytogenetic location: 9p13.3.
Variant type: single nucleotide variant.
Coding change: c.501C>A on transcript NM_005476.7 (MANE Select); coding-DNA position 501, C replaced by A.
Protein change: p.His167Gln; replaces histidine 167 with glutamine.
Molecular consequence: missense variant.
Genome position (GRCh38, 1-based): chr9:36,246,146, G>T on the plus strand (C>A on the coding strand, the complement: GNE is on the minus strand). VCF-style: chr9-36246146-G-T. GRCh37 (hg19) VCF-style: chr9-36246143-G-T.
Other names: c.594C>A, p.His198Gln (NM_001128227.3); c.501C>A, p.His167Gln (NM_001190383.3, NM_001374797.1); c.324C>A, p.His108Gln (NM_001190384.3, NM_001190388.2, NM_001374798.1); short protein forms H108Q, H167Q, H198Q.
Identifiers: ClinVar variation 1345461 (VCV001345461.8), dbSNP rs1554663342, ClinGen allele CA373418404.

ClinVar aggregate classification (germline): Uncertain significance (1 of 4 stars; one submission).

Conditions:
GNE myopathy (NM). Also called: INCLUSION BODY MYOPATHY 2, AUTOSOMAL RECESSIVE; MYOPATHY, DISTAL, WITH OR WITHOUT RIMMED VACUOLES; NONAKA DISTAL MYOPATHY; IBM 2; Inclusion body myopathy autosomal recessive; Inclusion body myopathy quadriceps sparing. Identifiers: Orphanet 602, MedGen C1853926, MONDO:0011603, OMIM 605820.
Sialuria. Also called: SIALURIA, FRENCH TYPE; Sialic Acid Storage Disease. Identifiers: Orphanet 3166, MedGen C0342853, MONDO:0010028, OMIM 269921.

Submission:

Labcorp Genetics (formerly Invitae), Labcorp
Classification: Uncertain significance for Sialuria; GNE myopathy. Last evaluated: 2022-04-19. Review status: criteria provided, single submitter. Criteria: Invitae Variant Classification Sherloc (09022015). Collection method: clinical testing. Allele origin: germline.
Comment: This sequence change replaces histidine, which is basic and polar, with glutamine, which is neutral and polar, at codon 198 of the GNE protein (p.His198Gln). This variant is not present in population databases (gnomAD no frequency). This missense change has been observed in individual(s) with clinical features of autosomal recessive GNE-related conditions (Invitae). In at least one individual the data is consistent with being in trans (on the opposite chromosome) from a pathogenic variant. Algorithms developed to predict the effect of missense changes on protein structure and function are either unavailable or do not agree on the potential impact of this missense change (SIFT: "Deleterious"; PolyPhen-2: "Benign"; Align-GVGD: "Class C15"). In summary, the available evidence is currently insufficient to determine the role of this variant in disease. Therefore, it has been classified as a Variant of Uncertain Significance.